The following is an entry in ClinVar:

ClinVar aggregate classification (germline): Pathogenic/Likely pathogenic. Review status: criteria provided, multiple submitters, no conflicts (2 of 4 stars). 3 submissions from 3 submitters: Pathogenic (2); Likely pathogenic (1). Last evaluated 2025-02-16.

Conditions:
Marfan syndrome (MFS). Also called: Marfan syndrome, classic; Marfan syndrome type 1; Marfan's syndrome; MARFAN SYNDROME, TYPE I; FBN1-Related Marfan Syndrome. Identifiers: Orphanet 284963, Orphanet 558, MedGen C0024796, MONDO:0007947, OMIM 154700.
Familial thoracic aortic aneurysm and aortic dissection (TAAD). Also called: Thoracic aortic aneurysms and dissections. Identifiers: Orphanet 91387, MedGen C4707243, MONDO:0019625.

Submissions (3):

Laboratory of Genetics, Children's Clinical University Hospital Latvia
Classification: Pathogenic. Last evaluated: 2025-02-16. Review status: criteria provided, single submitter. Criteria: ACMG Guidelines, 2015. Collection method: clinical testing. Allele origin: germline. Affected: yes.

Labcorp Genetics (formerly Invitae), Labcorp
Classification: Likely pathogenic for Marfan syndrome; Familial thoracic aortic aneurysm and aortic dissection. Last evaluated: 2024-12-30. Review status: criteria provided, single submitter. Criteria: Invitae Variant Classification Sherloc (09022015). Collection method: clinical testing. Allele origin: germline.
Comment: This sequence change affects a donor splice site in intron 52 of the FBN1 gene. It is expected to disrupt RNA splicing. Variants that disrupt the donor or acceptor splice site typically lead to a loss of protein function (PMID: 16199547), and loss-of-function variants in FBN1 are known to be pathogenic (PMID: 17657824, 19293843). This variant is not present in population databases (gnomAD no frequency). Disruption of this splice site has been observed in individual(s) with FBN1-related conditions (PMID: 35058154). ClinVar contains an entry for this variant (Variation ID: 379519). Algorithms developed to predict the effect of sequence changes on RNA splicing suggest that this variant may disrupt the consensus splice site. In summary, the currently available evidence indicates that the variant is pathogenic, but additional data are needed to prove that conclusively. Therefore, this variant has been classified as Likely Pathogenic.

GeneDx
Classification: Pathogenic. Last evaluated: 2015-04-20. Review status: criteria provided, single submitter. Criteria: GeneDx Variant Classification (06012015). Collection method: clinical testing. Allele origin: germline. Affected: yes.
Comment: This c.6379+2 T>C substitution destroys the canonical splice donor site inintron 52 and is predicted to cause abnormal gene splicing. The variant is predicted to lead to either anabnormal message that is subject to nonsense-mediated mRNA decay, or to an abnormal protein product ifthe message is used for protein translation. Other splice site variants in the FBN1 gene have beenreported in HGMD in association with Marfan/TAAD-related disorders (Stenson P et al., 2014).In summary, c.6379+2 T>C in the FBN1 gene is interpreted as a pathogenic variant.

Literature cited by the submitters: PubMed 16199547 (cited by Labcorp Genetics (formerly Invitae), Labcorp); PubMed 17657824 (cited by Labcorp Genetics (formerly Invitae), Labcorp); PubMed 19293843 (cited by Labcorp Genetics (formerly Invitae), Labcorp); PubMed 35058154 (cited by Labcorp Genetics (formerly Invitae), Labcorp).

NM_000138.5(FBN1):c.6379+2T>C

Gene: FBN1 (fibrillin 1; minus strand). Cytogenetic location: 15q21.1.
Variant type: single nucleotide variant.
Coding change: c.6379+2T>C on transcript NM_000138.5 (MANE Select); the canonical splice donor site of the intron after coding-DNA position 6379, T replaced by C.
Molecular consequence: splice donor variant.
Genome position (GRCh38, 1-based): chr15:48,437,320, A>G on the plus strand (T>C on the coding strand, the complement: FBN1 is on the minus strand). VCF-style: chr15-48437320-A-G. GRCh37 (hg19) VCF-style: chr15-48729517-A-G.
Other names: c.6379+2T>C (NM_001406716.1).
Identifiers: ClinVar variation 379519 (VCV000379519.6), dbSNP rs113453570, ClinGen allele CA16606697.
Genomic context (GRCh38, chr15:48,437,320, plus strand): 5'-ACTAGAGAAGAAGCAGATTGAGAATACTGAGAAATGCTGAGAATCCAGCACAGGCAACTG[A>G]CCAACTGCTGAATCATCAGGTCCCACGATGATCCCACTTCCATAAGGACATATCTGGCGG-3'